The following is an entry in ClinVar:

ClinVar aggregate classification (germline): Uncertain significance. Review status: criteria provided, multiple submitters, no conflicts (2 of 4 stars). 2 submissions from 2 submitters: Uncertain significance (2). Last evaluated 2024-10-15.

Conditions:
Inborn genetic diseases. Identifiers: MedGen C0950123, MeSH D030342.
Fetal akinesia deformation sequence 1 (FADS1). Also called: Fetal akinesia sequence; Pena-Shokeir syndrome type I. Identifiers: Orphanet 994, MedGen C1276035, MONDO:0100101, OMIM 208150, HP:0001989.
Congenital myasthenic syndrome 11. Also called: Myasthenic syndrome, congenital, 11, associated with acetylcholine receptor deficiency; MYASTHENIC SYNDROME, CONGENITAL, Ie. Identifiers: Orphanet 590, MedGen C4225367, MONDO:0014588, OMIM 616326.

Allele frequency attached by ClinVar (database versions not stated): ExAC 0.00001; gnomAD 0.00001; gnomAD exomes 0.00001; TOPMed 0.00002.

Submissions (2):

Labcorp Genetics (formerly Invitae), Labcorp
Classification: Uncertain significance for Congenital myasthenic syndrome 11; Fetal akinesia deformation sequence 1. Last evaluated: 2024-10-15. Review status: criteria provided, single submitter. Criteria: Invitae Variant Classification Sherloc (09022015). Collection method: clinical testing. Allele origin: germline.
Comment: This sequence change replaces isoleucine, which is neutral and non-polar, with serine, which is neutral and polar, at codon 309 of the RAPSN protein (p.Ile309Ser). This variant is present in population databases (rs766003422, gnomAD 0.003%). This variant has not been reported in the literature in individuals affected with RAPSN-related conditions. ClinVar contains an entry for this variant (Variation ID: 2065082). Invitae Evidence Modeling of protein sequence and biophysical properties (such as structural, functional, and spatial information, amino acid conservation, physicochemical variation, residue mobility, and thermodynamic stability) indicates that this missense variant is not expected to disrupt RAPSN protein function with a negative predictive value of 80%. Algorithms developed to predict the effect of sequence changes on RNA splicing suggest that this variant may disrupt the consensus splice site. In summary, the available evidence is currently insufficient to determine the role of this variant in disease. Therefore, it has been classified as a Variant of Uncertain Significance.

Ambry Genetics
Classification: Uncertain significance for Inborn genetic diseases. Last evaluated: 2023-06-12. Review status: criteria provided, single submitter. Criteria: Ambry Variant Classification Scheme 2023. Collection method: clinical testing. Allele origin: germline.

NM_005055.5(RAPSN):c.926T>G (p.Ile309Ser)

Gene: RAPSN (receptor associated protein of the synapse; minus strand). Cytogenetic location: 11p11.2.
Variant type: single nucleotide variant.
Coding change: c.926T>G on transcript NM_005055.5 (MANE Select); coding-DNA position 926, T replaced by G.
Protein change: p.Ile309Ser; replaces isoleucine 309 with serine.
Molecular consequence: missense variant. On other transcripts: intron variant (1).
Genome position (GRCh38, 1-based): chr11:47,441,199, A>C on the plus strand (T>G on the coding strand, the complement: RAPSN is on the minus strand). VCF-style: chr11-47441199-A-C. GRCh37 (hg19) VCF-style: chr11-47462750-A-C.
Other names: c.926T>G (NM_005055.4); c.789+624T>G (NM_032645.5); short protein forms I309S.
Identifiers: ClinVar variation 2065082 (VCV002065082.5), dbSNP rs766003422, ClinGen allele CA5976560.